The following is an entry in ClinVar:

ClinVar aggregate classification (germline): Uncertain significance. Review status: criteria provided, multiple submitters, no conflicts (2 of 4 stars). 3 submissions from 3 submitters: Uncertain significance (3). Last evaluated 2025-10-29.

Conditions:
PMS2-related disorder. Also called: PMS2-related condition.
Hereditary nonpolyposis colorectal neoplasms. Identifiers: MedGen C0009405, MeSH D003123.
Hereditary cancer-predisposing syndrome. Also called: Neoplastic Syndromes, Hereditary; Hereditary Cancer Syndrome; Tumor predisposition; Hereditary neoplastic syndrome. Identifiers: Orphanet 140162, MedGen C0027672, MeSH D009386, MONDO:0015356.

gnomAD v4.1: 4 of 1,612,628 alleles (0.00025%); highest among the groups gnomAD compares: East Asian, 0.0022%; no homozygotes.

Submissions (3):

PreventionGenetics, part of Exact Sciences
Classification: Uncertain significance for PMS2-related condition. Last evaluated: 2025-10-29. Review status: criteria provided, single submitter. Criteria: ACMG Guidelines, 2015. Collection method: clinical testing. Allele origin: germline.
Comment: The PMS2 c.8G>C variant is predicted to result in the amino acid substitution p.Arg3Pro. To our knowledge, this variant has not been reported in the literature. This variant is reported in 0.0054% of alleles in individuals of East Asian descent in gnomAD and is interpreted as uncertain in ClinVar (Variation ID: 480356). At this time, the clinical significance of this variant is uncertain due to the absence of conclusive functional and genetic evidence.

Ambry Genetics
Classification: Uncertain significance for Hereditary cancer-predisposing syndrome. Last evaluated: 2024-12-12. Review status: criteria provided, single submitter. Criteria: Ambry Variant Classification Scheme 2023. Collection method: clinical testing. Allele origin: germline.
Comment: The p.R3P variant (also known as c.8G>C), located in coding exon 1 of the PMS2 gene, results from a G to C substitution at nucleotide position 8. The arginine at codon 3 is replaced by proline, an amino acid with dissimilar properties. This amino acid position is not well conserved in available vertebrate species. In addition, the in silico prediction for this alteration is inconclusive. Since supporting evidence is limited at this time, the clinical significance of this alteration remains unclear.

Labcorp Genetics (formerly Invitae), Labcorp
Classification: Uncertain significance for Hereditary nonpolyposis colorectal neoplasms. Last evaluated: 2024-06-09. Review status: criteria provided, single submitter. Criteria: Invitae Variant Classification Sherloc (09022015). Collection method: clinical testing. Allele origin: germline.
Comment: This sequence change replaces arginine, which is basic and polar, with proline, which is neutral and non-polar, at codon 3 of the PMS2 protein (p.Arg3Pro). This variant is present in population databases (rs375507981, gnomAD 0.006%). This variant has not been reported in the literature in individuals affected with PMS2-related conditions. ClinVar contains an entry for this variant (Variation ID: 480356). Advanced modeling of protein sequence and biophysical properties (such as structural, functional, and spatial information, amino acid conservation, physicochemical variation, residue mobility, and thermodynamic stability) performed at Invitae indicates that this missense variant is not expected to disrupt PMS2 protein function with a negative predictive value of 95%. In summary, the available evidence is currently insufficient to determine the role of this variant in disease. Therefore, it has been classified as a Variant of Uncertain Significance.

NM_000535.7(PMS2):c.8G>C (p.Arg3Pro)

Gene: PMS2 (PMS1 homolog 2, mismatch repair system component; minus strand). Cytogenetic location: 7p22.1.
Variant type: single nucleotide variant.
Coding change: c.8G>C on transcript NM_000535.7 (MANE Select); coding-DNA position 8, G replaced by C.
Protein change: p.Arg3Pro; replaces arginine 3 with proline.
Molecular consequence: missense variant. On other transcripts: 5 prime UTR variant (11), non-coding transcript variant (1).
Genome position (GRCh38, 1-based): chr7:6,009,012, C>G on the plus strand (G>C on the coding strand, the complement: PMS2 is on the minus strand). VCF-style: chr7-6009012-C-G. GRCh37 (hg19) VCF-style: chr7-6048643-C-G.
Other names: c.8G>C (NM_000535.6); c.-393G>C (NM_001322003.2, NM_001322013.2); c.-258G>C (NM_001322004.2, NM_001322010.2); c.-588G>C (NM_001322005.2); c.8G>C, p.Arg3Pro (NM_001322006.2, NM_001322014.2); c.-208G>C (NM_001322007.2); c.-68G>C (NM_001322008.2); c.-583G>C (NM_001322009.2); and 3 more; short protein forms R3P.
Identifiers: ClinVar variation 480356 (VCV000480356.15), dbSNP rs375507981, ClinGen allele CA052186.